The following is an entry in ClinVar:

NM_000465.4(BARD1):c.1781C>G (p.Ala594Gly)

Gene: BARD1 (BRCA1 associated RING domain 1; minus strand). Cytogenetic location: 2q35.
Variant type: single nucleotide variant.
Coding change: c.1781C>G on transcript NM_000465.4 (MANE Select); coding-DNA position 1781, C replaced by G.
Protein change: p.Ala594Gly; replaces alanine 594 with glycine.
Molecular consequence: missense variant. On other transcripts: non-coding transcript variant (3), intron variant (1).
Genome position (GRCh38, 1-based): chr2:214,745,751, G>C on the plus strand (C>G on the coding strand, the complement: BARD1 is on the minus strand). VCF-style: chr2-214745751-G-C. GRCh37 (hg19) VCF-style: chr2-215610475-G-C.
Other names: c.1724C>G, p.Ala575Gly (NM_001282543.2); c.428C>G, p.Ala143Gly (NM_001282545.2); c.371C>G, p.Ala124Gly (NM_001282548.2); c.365-15243C>G (NM_001282549.2); c.1781C>G (NM_000465.2); short protein forms A124G, A143G, A594G, A575G.
Identifiers: ClinVar variation 2706250 (VCV002706250.4), dbSNP rs75709313, ClinGen allele CA350452681.

ClinVar aggregate classification (germline): Uncertain significance. Review status: criteria provided, multiple submitters, no conflicts (2 of 4 stars). 2 submissions from 2 submitters: Uncertain significance (2). Last evaluated 2025-04-02.

Conditions:
Hereditary cancer-predisposing syndrome. Also called: Hereditary neoplastic syndrome; Neoplastic Syndromes, Hereditary; Hereditary Cancer Syndrome; Tumor predisposition. Identifiers: Orphanet 140162, MedGen C0027672, MeSH D009386, MONDO:0015356.
Familial cancer of breast. Also called: Hereditary breast cancer; BREAST CANCER, FAMILIAL; hereditary breast carcinoma. Identifiers: Orphanet 227535, MedGen C0346153, MONDO:0016419, OMIM 114480. Disease mechanism: loss of function.

Submissions (2):

Labcorp Genetics (formerly Invitae), Labcorp
Classification: Uncertain significance for Familial cancer of breast. Last evaluated: 2025-04-02. Review status: criteria provided, single submitter. Criteria: Invitae Variant Classification Sherloc (09022015). Collection method: clinical testing. Allele origin: germline.
Comment: This sequence change replaces alanine, which is neutral and non-polar, with glycine, which is neutral and non-polar, at codon 594 of the BARD1 protein (p.Ala594Gly). This variant is not present in population databases (gnomAD no frequency). This variant has not been reported in the literature in individuals affected with BARD1-related conditions. ClinVar contains an entry for this variant (Variation ID: 2706250). An algorithm developed to predict the effect of missense changes on protein structure and function (PolyPhen-2) suggests that this variant is likely to be tolerated. In summary, the available evidence is currently insufficient to determine the role of this variant in disease. Therefore, it has been classified as a Variant of Uncertain Significance.

Ambry Genetics
Classification: Uncertain significance for Hereditary cancer-predisposing syndrome. Last evaluated: 2024-03-04. Review status: criteria provided, single submitter. Criteria: Ambry Variant Classification Scheme 2023. Collection method: clinical testing. Allele origin: germline.
Comment: The p.A594G variant (also known as c.1781C>G), located in coding exon 8 of the BARD1 gene, results from a C to G substitution at nucleotide position 1781. The alanine at codon 594 is replaced by glycine, an amino acid with similar properties. This amino acid position is well conserved in available vertebrate species. In addition, this alteration is predicted to be tolerated by in silico analysis. Based on the available evidence, the clinical significance of this alteration remains unclear.